The following is an entry in ClinVar:

NM_001035.3(RYR2):c.5021A>G (p.His1674Arg)

Gene: RYR2 (ryanodine receptor 2; plus strand). Cytogenetic location: 1q43.
Variant type: single nucleotide variant.
Coding change: c.5021A>G on transcript NM_001035.3 (MANE Select); coding-DNA position 5021, A replaced by G.
Protein change: p.His1674Arg; replaces histidine 1674 with arginine.
Molecular consequence: missense variant.
Genome position (GRCh38, 1-based): chr1:237,614,149, A>G. VCF-style: chr1-237614149-A-G. GRCh37 (hg19) VCF-style: chr1-237777449-A-G.
Other names: c.5021A>G, p.His1674Arg (LRG_402t1); short protein forms H1674R.
Identifiers: ClinVar variation 629236 (VCV000629236.19), dbSNP rs771414167, ClinGen allele CA086822.

ClinVar aggregate classification (germline): Uncertain significance. Review status: criteria provided, multiple submitters, no conflicts (2 of 4 stars). 5 submissions from 5 submitters: Uncertain significance (5). Last evaluated 2026-01-19.

Conditions:
Catecholaminergic polymorphic ventricular tachycardia (CVPT). Also called: Catecholamine-induced polymorphic ventricular tachycardia. Identifiers: Orphanet 3286, MedGen C5574922, MONDO:0017990.
Catecholaminergic polymorphic ventricular tachycardia 1. Also called: RYR2-Related Catecholaminergic Polymorphic Ventricular Tachycardia; VENTRICULAR TACHYCARDIA, CATECHOLAMINERGIC POLYMORPHIC, 1, WITH OR WITHOUT ATRIAL DYSFUNCTION AND/OR DILATED CARDIOMYOPATHY; VENTRICULAR TACHYCARDIA, STRESS-INDUCED POLYMORPHIC 1. Identifiers: Orphanet 3286, MedGen C1631597, MONDO:0011484, OMIM 604772.
Cardiovascular phenotype. Identifiers: MedGen CN230736.
Cardiomyopathy (CMYO). Also called: Cardiomyopathies. Identifiers: Orphanet 167848, MedGen C0878544, MONDO:0004994, HP:0001638. Inheritance: Various modes of inheritance.

Allele frequency attached by ClinVar (database versions not stated): gnomAD exomes 0.00001 and 0.00003; ExAC 0.00002; TOPMed 0.00002; gnomAD 0.00003.
gnomAD v4.1: 46 of 1,613,922 alleles (0.0029%); highest among the groups gnomAD compares: Admixed American, 0.005%; no homozygotes.

Submissions (5):

Labcorp Genetics (formerly Invitae), Labcorp
Classification: Uncertain significance for Catecholaminergic polymorphic ventricular tachycardia 1. Last evaluated: 2026-01-19. Review status: criteria provided, single submitter. Criteria: Invitae Variant Classification Sherloc (09022015). Collection method: clinical testing. Allele origin: germline.
Comment: This sequence change replaces histidine, which is basic and polar, with arginine, which is basic and polar, at codon 1674 of the RYR2 protein (p.His1674Arg). This variant is present in population databases (rs771414167, gnomAD 0.004%). This variant has not been reported in the literature in individuals affected with RYR2-related conditions. ClinVar contains an entry for this variant (Variation ID: 629236). Invitae Evidence Modeling of protein sequence and biophysical properties (such as structural, functional, and spatial information, amino acid conservation, physicochemical variation, residue mobility, and thermodynamic stability) indicates that this missense variant is expected to disrupt RYR2 protein function with a positive predictive value of 95%. In summary, the available evidence is currently insufficient to determine the role of this variant in disease. Therefore, it has been classified as a Variant of Uncertain Significance.

ARUP Laboratories, Molecular Genetics and Genomics, ARUP Laboratories
Classification: Uncertain significance. Last evaluated: 2025-07-10. Review status: criteria provided, single submitter. Criteria: ARUP Molecular Germline Variant Investigation Process 2024. Collection method: clinical testing. Allele origin: germline.
Comment: The RYR2 c.5021A>G; p.His1674Arg variant (rs771414167), to our knowledge, is not reported in the medical literature but is reported in ClinVar (Variation ID: 629236). This variant is found in the general population with an overall allele frequency of 0.001% (4/280,570 alleles) in the Genome Aggregation Database (v2.1.1). Computational analyses predict that this variant is deleterious (REVEL: 0.934). Due to limited information, the clinical significance of this variant is uncertain at this time.

Ambry Genetics
Classification: Uncertain significance for Cardiovascular phenotype. Last evaluated: 2024-08-20. Review status: criteria provided, single submitter. Criteria: Ambry Variant Classification Scheme 2023. Collection method: clinical testing. Allele origin: germline.
Comment: The p.H1674R variant (also known as c.5021A>G), located in coding exon 37 of the RYR2 gene, results from an A to G substitution at nucleotide position 5021. The histidine at codon 1674 is replaced by arginine, an amino acid with highly similar properties. This amino acid position is highly conserved in available vertebrate species. In addition, this alteration is predicted to be deleterious by in silico analysis. Since supporting evidence is limited at this time, the clinical significance of this alteration remains unclear.

Color Diagnostics, LLC DBA Color Health
Classification: Uncertain significance for Cardiomyopathy. Last evaluated: 2024-03-06. Review status: criteria provided, single submitter. Criteria: ACMG Guidelines, 2015. Collection method: clinical testing. Allele origin: germline.
Comment: This missense variant replaces histidine with arginine at codon 1674 of the RYR2 protein. Computational prediction suggests that this variant may have deleterious impact on protein structure and function (internally defined REVEL score threshold >= 0.7, PMID: 27666373). To our knowledge, functional studies have not been reported for this variant. This variant has not been reported in individuals affected with RYR2-related disorders in the literature. This variant has been identified in 4/277098 chromosomes in the general population by the Genome Aggregation Database (gnomAD). The available evidence is insufficient to determine the role of this variant in disease conclusively. Therefore, this variant is classified as a Variant of Uncertain Significance.

All of Us Research Program, National Institutes of Health
Classification: Uncertain significance for Catecholaminergic polymorphic ventricular tachycardia. Last evaluated: 2023-08-15. Review status: criteria provided, single submitter. Criteria: ACMG Guidelines, 2015. Collection method: clinical testing. Allele origin: germline. Inheritance: Autosomal dominant inheritance. Observed: 3 variant alleles, 3 heterozygotes.
Comment: This missense variant replaces histidine with arginine at codon 1674 of the RYR2 protein. Computational prediction suggests that this variant may have deleterious impact on protein structure and function (internally defined REVEL score threshold >= 0.7, PMID: 27666373). Splice site prediction tools suggest that this variant may not impact RNA splicing. To our knowledge, functional studies have not been performed for this variant. This variant has not been reported in individuals affected with cardiovascular disorders in the literature. This variant has been identified in 4/277098 chromosomes in the general population by the Genome Aggregation Database (gnomAD). The available evidence is insufficient to determine the role of this variant in disease conclusively. Therefore, this variant is classified as a Variant of Uncertain Significance.

This study involves interpretation of variants in research participants for the purpose of population health screening. Participant phenotype was not available at the time of variant classification. Additional details can be found in publication PMID: 35346344, PMCID: PMC8962531